The following is an entry in ClinVar:

ClinVar aggregate classification (germline): Likely benign. Review status: criteria provided, single submitter (1 of 4 stars). 2 submissions from 2 submitters: Likely benign (1). 1 of the submissions does not count toward it. Last evaluated 2023-05-09.

Conditions:
CEP290-related disorder. Also called: CEP290-related disorders; CEP290-related condition. Identifiers: MedGen CN239314.
Joubert syndrome. Also called: CEREBELLOPARENCHYMAL DISORDER IV; JOUBERT-BOLTSHAUSER SYNDROME; Familial aplasia of the vermis. Identifiers: Orphanet 475, MedGen C5979921, MONDO:0018772.
Nephronophthisis. Also called: Juvenile Nephronophthisis. Identifiers: Orphanet 655, MedGen C0687120, MONDO:0019005, HP:0000090.
Meckel-Gruber syndrome. Also called: DYSENCEPHALIA SPLANCHNOCYSTICA; GRUBER SYNDROME; Dysencephalia splachnocystica. Identifiers: Orphanet 564, MedGen C0265215, MONDO:0018921.

Allele frequency attached by ClinVar (database versions not stated): gnomAD exomes below 0.00001; ExAC 0.00001.
gnomAD v4.1: 3 of 1,590,906 alleles (0.00019%); highest among the groups gnomAD compares: African/African-American, 0.0027%; no homozygotes.

Submissions (2):

Labcorp Genetics (formerly Invitae), Labcorp
Classification: Likely benign for Joubert syndrome; Meckel-Gruber syndrome; Nephronophthisis. Last evaluated: 2023-05-09. Review status: criteria provided, single submitter. Criteria: Invitae Variant Classification Sherloc (09022015). Collection method: clinical testing. Allele origin: germline.

PreventionGenetics, part of Exact Sciences
Classification: Likely benign for CEP290-related condition. Last evaluated: 2023-11-03. Review status: no assertion criteria provided. Collection method: clinical testing. Allele origin: germline. Not counted in ClinVar's aggregate classification.
Comment: This variant is classified as likely benign based on ACMG/AMP sequence variant interpretation guidelines (Richards et al. 2015 PMID: 25741868, with internal and published modifications).

NM_025114.4(CEP290):c.5625A>G (p.Glu1875=)

Gene: CEP290 (centrosomal protein 290; minus strand). Cytogenetic location: 12q21.32.
Variant type: single nucleotide variant.
Coding change: c.5625A>G on transcript NM_025114.4 (MANE Select); coding-DNA position 5625, A replaced by G.
Protein change: p.Glu1875=; no amino-acid change (glutamic acid 1875 retained).
Molecular consequence: synonymous variant.
Genome position (GRCh38, 1-based): chr12:88,077,306, T>C on the plus strand (A>G on the coding strand, the complement: CEP290 is on the minus strand). VCF-style: chr12-88077306-T-C. GRCh37 (hg19) VCF-style: chr12-88471083-T-C.
Other names: c.5625A>G (NM_025114.3).
Identifiers: ClinVar variation 1158551 (VCV001158551.10), dbSNP rs754796813, ClinGen allele CA6711682.